The following is an entry in ClinVar:

NM_002617.4(PEX10):c.10dup (p.Ala4fs)

Gene: PEX10 (peroxisomal biogenesis factor 10; minus strand). Cytogenetic location: 1p36.32.
Variant type: Duplication.
Coding change: c.10dup on transcript NM_002617.4 (MANE Select); coding-DNA position 10, one base duplicated (G; older notation c.10dupG).
Protein change: p.Ala4fs; shifts the reading frame from alanine 4.
Molecular consequence: frameshift variant. On other transcripts: intron variant (2).
Genome position (GRCh38, 1-based): chr1:2,412,493, C duplicated on the plus strand (G on the coding strand, the reverse complement: PEX10 is on the minus strand); the first of 2 consecutive C bases (chr1:2,412,493-2,412,494); duplicating either gives the same sequence. VCF-style (leftmost placement, unchanged base first): chr1-2412492-G-GC. GRCh37 (hg19) VCF-style: chr1-2343931-G-GC.
Other names: c.10dup, p.Ala4fs (NM_001374425.1, NM_153818.2); c.-321+1104dup (NM_001374427.1, NM_001374426.1); short protein forms A4fs.
Identifiers: ClinVar variation 5012152 (VCV005012152.1).
Genomic context (GRCh38, chr1:2,412,492, plus strand): 5'-CCACCGCGGTAGTACTCGTCCTTCTGCGCCGCGCGGATCACCTCCGGGGGGCTGGCGGCG[G>GC]CCGGGGCCATGGCCGCGGGTTCGGGTGGTCCCGAGCAGCCACGCCGGCCACGCCCACGCC-3'

ClinVar aggregate classification (germline): Pathogenic (1 of 4 stars; one submission).

Conditions:
Peroxisome biogenesis disorder. Identifiers: Orphanet 79189, MedGen C1832200, MONDO:0019234. Disease mechanism: loss of function.

Submission:

Myriad Genetics, Inc.
Classification: Pathogenic for Peroxisome biogenesis disorder. Last evaluated: 2023-09-27. Review status: criteria provided, single submitter. Criteria: Myriad Autosomal Dominant, Autosomal Recessive and X-Linked Classification Criteria (2023). Collection method: clinical testing. Allele origin: unknown.
Comment: NM_153818.1(PEX10):c.10dupG(A4Gfs*47) is expected to be pathogenic in the context of peroxisome biogenesis disorder type 6. This variant is predicted to lead to an abnormal or absent protein product due to the creation of a premature termination codon in PEX10, a gene where loss-of-function variants are known to be pathogenic. Please note: this variant was assessed in the context of healthy population screening.